The following is an entry in ClinVar:

NM_001130438.3(SPTAN1):c.3156-4G>A

Gene: SPTAN1 (spectrin alpha, non-erythrocytic 1; plus strand). Cytogenetic location: 9q34.11.
Variant type: single nucleotide variant.
Coding change: c.3156-4G>A on transcript NM_001130438.3 (MANE Select); 4 bases into the intron before coding-DNA position 3156, G replaced by A.
Molecular consequence: intron variant.
Genome position (GRCh38, 1-based): chr9:128,592,979, G>A. VCF-style: chr9-128592979-G-A. GRCh37 (hg19) VCF-style: chr9-131355258-G-A.
Other names: c.3156-4G>A (NM_001363759.2, NM_003127.4); c.3156-1196G>A (NM_001363765.2, NM_001195532.2).
Identifiers: ClinVar variation 381109 (VCV000381109.13), dbSNP rs549061995, ClinGen allele CA5264863.

ClinVar aggregate classification (germline): Benign/Likely benign. Review status: criteria provided, multiple submitters, no conflicts (2 of 4 stars). 3 submissions from 3 submitters: Benign (2); Likely benign (1). Last evaluated 2024-01-22.

Conditions:
Early-infantile DEE. Also called: Early infantile epileptic encephalopathy with suppression bursts; Ohtahara syndrome; Early infantile epileptic encephalopathy. Identifiers: Orphanet 1934, MedGen C0393706, MONDO:0800491.
Developmental and epileptic encephalopathy, 5 (DEE5). Identifiers: Orphanet 3451, MedGen C3150731, MONDO:0013277, OMIM 613477.

Allele frequency attached by ClinVar (database versions not stated): gnomAD below 0.00001 and 0.00005; TOPMed below 0.00001; ExAC 0.00052; 1000 Genomes Project 0.00060; 1000 Genomes Project 30x 0.00062.

Submissions (3):

Labcorp Genetics (formerly Invitae), Labcorp
Classification: Benign for Early-infantile DEE. Last evaluated: 2024-01-22. Review status: criteria provided, single submitter. Criteria: Invitae Variant Classification Sherloc (09022015). Collection method: clinical testing. Allele origin: germline.

Genome-Nilou Lab
Classification: Benign for Developmental and epileptic encephalopathy, 5. Last evaluated: 2021-07-15. Review status: criteria provided, single submitter. Criteria: ACMG Guidelines, 2015. Collection method: clinical testing. Allele origin: germline. Affected: no.

GeneDx
Classification: Likely benign. Last evaluated: 2015-10-22. Review status: criteria provided, single submitter. Criteria: GeneDx Variant Classification (06012015). Collection method: clinical testing. Allele origin: germline. Affected: yes.
Comment: This variant is considered likely benign or benign based on one or more of the following criteria: it is a conservative change, it occurs at a poorly conserved position in the protein, it is predicted to be benign by multiple in silico algorithms, and/or has population frequency not consistent with disease.